The following is an entry in ClinVar:

NM_001164508.2(NEB):c.20049T>A (p.Tyr6683Ter)

Gene: NEB (nebulin; minus strand). Cytogenetic location: 2q23.3.
Variant type: single nucleotide variant.
Coding change: c.20049T>A on transcript NM_001164508.2 (MANE Select); coding-DNA position 20049, T replaced by A.
Protein change: p.Tyr6683Ter; replaces tyrosine 6683 with a stop codon.
Molecular consequence: nonsense.
Genome position (GRCh38, 1-based): chr2:151,549,636, A>T on the plus strand (T>A on the coding strand, the complement: NEB is on the minus strand). VCF-style: chr2-151549636-A-T. GRCh37 (hg19) VCF-style: chr2-152406150-A-T.
Other names: c.20049T>A, p.Tyr6683Ter (NM_001164507.2, NM_001271208.2); c.14946T>A, p.Tyr4982Ter (NM_004543.5); short protein forms Y4982*, Y6683*.
Identifiers: ClinVar variation 3075928 (VCV003075928.1), dbSNP rs2095135808, ClinGen allele CA348786418.

ClinVar aggregate classification (germline): Likely pathogenic (1 of 4 stars; one submission).

Conditions:
Nemaline myopathy. Also called: Myopathies, Nemaline. Identifiers: Orphanet 607, MedGen C0206157, MONDO:0018958.

Submission:

Laboratory for Molecular Medicine, Mass General Brigham Personalized Medicine
Classification: Likely pathogenic for Nemaline myopathy. Last evaluated: 2023-02-02. Review status: criteria provided, single submitter. Criteria: ACMG Guidelines, 2015. Collection method: clinical testing. Allele origin: germline.
Comment: The p.Tyr6683X in NEB has not been previously reported in individuals with nemaline myopathy and was absent from large population studies. This nonsense variant leads to a premature termination codon at position 6683, which is predicted to lead to a truncated or absent protein. Loss of function of the NEB gene is an established disease mechanism in autosomal recessive nemaline myopathy. In summary, although additional studies are required to fully establish its clinical significance, this variant meets criteria to be classified as likely pathogenic for autosomal recessive nemaline myopathy. ACMG/AMP Criteria applied: PVS1, PM2_Supporting.